The following is an entry in ClinVar:

NM_000925.4(PDHB):c.478C>G (p.Gln160Glu)

Gene: PDHB (pyruvate dehydrogenase E1 subunit beta; minus strand). Cytogenetic location: 3p14.3.
Variant type: single nucleotide variant.
Coding change: c.478C>G on transcript NM_000925.4 (MANE Select); coding-DNA position 478, C replaced by G.
Protein change: p.Gln160Glu; replaces glutamine 160 with glutamic acid.
Molecular consequence: missense variant. On other transcripts: non-coding transcript variant (1).
Genome position (GRCh38, 1-based): chr3:58,430,768, G>C on the plus strand (C>G on the coding strand, the complement: PDHB is on the minus strand). VCF-style: chr3-58430768-G-C. GRCh37 (hg19) VCF-style: chr3-58416495-G-C.
Other names: c.424C>G, p.Gln142Glu (NM_001173468.2, NM_001315536.2); short protein forms Q142E, Q160E.
Identifiers: ClinVar variation 3362007 (VCV003362007.1).

ClinVar aggregate classification (germline): Uncertain significance (1 of 4 stars; one submission).

Submission:

GeneDx
Classification: Uncertain significance. Last evaluated: 2023-05-25. Review status: criteria provided, single submitter. Criteria: GeneDx Variant Classification Process June 2021. Collection method: clinical testing. Allele origin: germline. Affected: yes.
Comment: Not observed at significant frequency in large population cohorts (gnomAD); In silico analysis supports that this missense variant has a deleterious effect on protein structure/function; Has not been previously published as pathogenic or benign to our knowledge